The following is an entry in ClinVar:

ClinVar aggregate classification (germline): Uncertain significance (1 of 4 stars; one submission).

Conditions:
ATRX-related disorder. Also called: ATRX-related condition.

Submission:

PreventionGenetics, part of Exact Sciences
Classification: Uncertain significance for ATRX-related condition. Last evaluated: 2023-10-09. Review status: criteria provided, single submitter. Criteria: ACMG Guidelines, 2015. Collection method: clinical testing. Allele origin: germline.
Comment: The ATRX c.2401T>A variant is predicted to result in the amino acid substitution p.Ser801Thr. To our knowledge, this variant has not been reported in the literature or in a large population database, indicating this variant is rare. At this time, the clinical significance of this variant is uncertain due to the absence of conclusive functional and genetic evidence.

NM_000489.6(ATRX):c.2401T>A (p.Ser801Thr)

Gene: ATRX (ATRX chromatin remodeler; minus strand). Cytogenetic location: Xq21.1.
Variant type: single nucleotide variant.
Coding change: c.2401T>A on transcript NM_000489.6 (MANE Select); coding-DNA position 2401, T replaced by A.
Protein change: p.Ser801Thr; replaces serine 801 with threonine.
Molecular consequence: missense variant.
Genome position (GRCh38, 1-based): chrX:77,682,855, A>T on the plus strand (T>A on the coding strand, the complement: ATRX is on the minus strand). VCF-style: chrX-77682855-A-T. GRCh37 (hg19) VCF-style: chrX-76938347-A-T.
Other names: c.2287T>A, p.Ser763Thr (NM_138270.5); short protein forms S763T, S801T.
Identifiers: ClinVar variation 2633963 (VCV002633963.1), dbSNP rs1360383687, ClinGen allele CA413712493.
Genomic context (GRCh38, chrX:77,682,855, plus strand): 5'-ATTCTGAGTCATAATTAGAAGACTCAGACTGGGTTTGTCGTTTCTTTTTAGAAATTATAG[A>T]GCTCTTAGCTGATTTGCCCTTTTTAGTATCAAAATCTGAGCCAGATGTAGAACTTTTTCG-3'
Protein context (NP_000480.3, residues 791-811): DTKKGKSAKS[Ser801Thr]IISKKKRQTQ